The following is an entry in ClinVar:

NM_002691.4(POLD1):c.1422C>G (p.Leu474=)

Gene: POLD1 (DNA polymerase delta 1, catalytic subunit; plus strand). Cytogenetic location: 19q13.33.
Variant type: single nucleotide variant.
Coding change: c.1422C>G on transcript NM_002691.4 (MANE Select); coding-DNA position 1422, C replaced by G.
Protein change: p.Leu474=; no amino-acid change (leucine 474 retained).
Molecular consequence: synonymous variant. On other transcripts: non-coding transcript variant (1).
Genome position (GRCh38, 1-based): chr19:50,406,445, C>G. VCF-style: chr19-50406445-C-G. GRCh37 (hg19) VCF-style: chr19-50909702-C-G.
Other names: c.1422C>G, p.Leu474= (NM_001256849.1, NM_001308632.1); c.1422C>G (NM_002691.2).
Identifiers: ClinVar variation 469198 (VCV000469198.12), dbSNP rs369332787, ClinGen allele CA508304871.

ClinVar aggregate classification (germline): Benign/Likely benign. Review status: criteria provided, multiple submitters, no conflicts (2 of 4 stars). 4 submissions from 4 submitters: Benign (1); Likely benign (2). 1 of the submissions does not count toward it. Last evaluated 2025-02-06.

Conditions:
POLD1-related disorder. Also called: POLD1-related condition; POLD1-related disorders.
Hereditary cancer-predisposing syndrome. Also called: Neoplastic Syndromes, Hereditary; Hereditary neoplastic syndrome; Tumor predisposition; Hereditary Cancer Syndrome. Identifiers: Orphanet 140162, MedGen C0027672, MeSH D009386, MONDO:0015356.
POLD1-related polyposis and colorectal cancer syndrome (CRCS10). Also called: Colorectal cancer 10; COLORECTAL CANCER, SUSCEPTIBILITY TO, ON CHROMOSOME 19q; Colorectal cancer, susceptibility to, 10. Identifiers: Orphanet 220460, MedGen C2675481, MONDO:0012953, OMIM 612591.

Submissions (4):

Myriad Genetics, Inc.
Classification: Benign for POLD1-related polyposis and colorectal cancer syndrome. Last evaluated: 2025-02-06. Review status: criteria provided, single submitter. Criteria: Myriad Autosomal Dominant, Autosomal Recessive and X-Linked Classification Criteria (2023). Collection method: clinical testing. Allele origin: unknown.
Comment: This variant is considered benign. This variant is a silent/synonymous amino acid change and it is not expected to impact splicing.

Ambry Genetics
Classification: Likely benign for Hereditary cancer-predisposing syndrome. Last evaluated: 2023-09-21. Review status: criteria provided, single submitter. Criteria: Ambry Variant Classification Scheme 2023. Collection method: clinical testing. Allele origin: germline.

Labcorp Genetics (formerly Invitae), Labcorp
Classification: Likely benign for POLD1-related polyposis and colorectal cancer syndrome. Last evaluated: 2017-06-13. Review status: criteria provided, single submitter. Criteria: Invitae Variant Classification Sherloc (09022015). Collection method: clinical testing. Allele origin: germline.

PreventionGenetics, part of Exact Sciences
Classification: Likely benign for POLD1-related condition. Last evaluated: 2023-10-28. Review status: no assertion criteria provided. Collection method: clinical testing. Allele origin: germline. Not counted in ClinVar's aggregate classification.
Comment: This variant is classified as likely benign based on ACMG/AMP sequence variant interpretation guidelines (Richards et al. 2015 PMID: 25741868, with internal and published modifications).